The following is an entry in ClinVar:

NM_001042492.3(NF1):c.6855C>A (p.Tyr2285Ter)

Gene: NF1 (neurofibromin 1; plus strand). Cytogenetic location: 17q11.2.
Variant type: single nucleotide variant.
Coding change: c.6855C>A on transcript NM_001042492.3 (MANE Select); coding-DNA position 6855, C replaced by A.
Protein change: p.Tyr2285Ter; replaces tyrosine 2285 with a stop codon.
Molecular consequence: nonsense.
Genome position (GRCh38, 1-based): chr17:31,338,739, C>A. VCF-style: chr17-31338739-C-A. GRCh37 (hg19) VCF-style: chr17-29665757-C-A.
Other names: c.6792C>A, p.Tyr2264Ter (NM_000267.4); short protein forms Y2264*, Y2285*.
Identifiers: ClinVar variation 185082 (VCV000185082.98), dbSNP rs772295894, ClinGen allele CA190957.

ClinVar aggregate classification (germline): Pathogenic. Review status: criteria provided, multiple submitters, no conflicts (2 of 4 stars). 33 submissions from 33 submitters: Pathogenic (31). 2 of the submissions do not count toward it. Last evaluated 2026-05-12.

Conditions:
Neurofibromatosis, type 1 (NF1). Also called: Neurofibromatosis, type I; NEUROFIBROMATOSIS, TYPE I, SOMATIC; Peripheral type neurofibromatosis; VON RECKLINGHAUSEN DISEASE. Identifiers: Orphanet 636, MedGen C0027831, MONDO:0018975, OMIM 162200. Disease mechanism: loss of function.
Ewing sarcoma (ES). Also called: Ewing's sarcoma; Ewing's tumor; Ewing tumor. Identifiers: Orphanet 2677, Orphanet 319, MedGen C0553580, MONDO:0012817, OMIM 612219, HP:0012254.
NF1-related disorder. Also called: NF1-related condition. Identifiers: MedGen CN379171.
Gastric cancer. Also called: Stomach cancer; Malignant tumor of stomach. Identifiers: MedGen C0024623, MeSH D013274, MONDO:0001056, OMIM 613659, HP:0012126.
Hereditary cancer-predisposing syndrome. Also called: Hereditary neoplastic syndrome; Neoplastic Syndromes, Hereditary; Tumor predisposition; Hereditary Cancer Syndrome. Identifiers: Orphanet 140162, MedGen C0027672, MeSH D009386, MONDO:0015356.
Neurofibromatosis, familial spinal (FSNF). Identifiers: Orphanet 636, MedGen C1834235, MONDO:0008078, OMIM 162210. Disease mechanism: loss of function.
Neurofibromatosis-Noonan syndrome (NFNS). Also called: NEUROFIBROMATOSIS WITH NOONAN PHENOTYPE. Identifiers: Orphanet 638, MedGen C2931482, MONDO:0011035, OMIM 601321. Disease mechanism: loss of function.
Café-au-lait macules with pulmonary stenosis (WTSN). Also called: PULMONIC STENOSIS WITH CAFE-AU-LAIT SPOTS. Identifiers: MedGen C0553586, MONDO:0008672, OMIM 193520.
Juvenile myelomonocytic leukemia (JMML). Also called: LEUKEMIA, JUVENILE MYELOMONOCYTIC, SOMATIC. Identifiers: Orphanet 86834, MedGen C0349639, MONDO:0011908, OMIM 607785, HP:0012209.

Allele frequency attached by ClinVar (database versions not stated): TOPMed 0.00002.
gnomAD v4.1: 2 of 1,613,200 alleles (0.00012%); highest among the groups gnomAD compares: Non-Finnish European, 0.00017%; no homozygotes.

Submissions 1 to 12 of 33:

Hema, HEMA – Genetic and Molecular Diagnostic Laboratory
Classification: Pathogenic for Neurofibromatosis, type 1. Last evaluated: 2026-05-12. Review status: criteria provided, single submitter. Criteria: HEMA Variant Classification Assertion Criteria. Collection method: clinical testing. Allele origin: germline.
Comment: The variant c.6855C>A p.(Tyr2285*) is a transversion from cytosine to adenine that results in the substitution of tyrosine 2285 by a premature stop codon. PVS1_Moderate: The variant affects splicing, causing approximately 75% skipping of exon 46, resulting in a protein with an in-frame deletion of 34 amino acids (<10% of the protein), while the remaining 25% of full-length transcripts undergo nonsense-mediated decay (NMD) due to the premature stop codon (PMIDs: 16870183, 22925204). PS2_VeryStrong: The variant has been reported as de novo in affected patients, both with confirmation of parentage (PMID: 27838393) and without confirmation of the parents (PMIDs: 23913538, 36304179). PS4: The variant has been observed in more than 20 affected individuals with neurofibromatosis type 1 (PMIDs: 7607663, 9385374, 10607834, 16479075, 23668869, 26962827, 27838393, 30290804, 31347283, 33919865, 34427956, 35119474, 35885913, 37073110, 38226287, 40410838). PP1_Moderate: The variant cosegregates with the disease in multiple affected members of different families (PMIDs: 7607663, 31347283). PP4: The proband's phenotype is highly specific for neurofibromatosis type 1.

Department of Genetics, Sultan Qaboos University Hospital
Classification: Pathogenic for Neurofibromatosis, type 1. Last evaluated: 2026-04-01. Review status: criteria provided, single submitter. Criteria: ACMG Guidelines, 2015. Collection method: clinical testing. Allele origin: germline. Affected: yes. Observed: 1 variant allele.
Comment: PVS1,PM2,PP5_Very_Strong

Labcorp Genetics (formerly Invitae), Labcorp
Classification: Pathogenic for Neurofibromatosis, type 1. Last evaluated: 2026-01-28. Review status: criteria provided, single submitter. Criteria: Invitae Variant Classification Sherloc (09022015). Collection method: clinical testing. Allele origin: germline.
Comment: This sequence change creates a premature translational stop signal (p.Tyr2264*) in the NF1 gene. RNA analysis indicates that this premature translational stop signal induces altered splicing and likely results in a shortened protein product. This variant is not present in population databases (gnomAD no frequency). This premature translational stop signal has been observed in individuals with neurofibromatosis type 1 (PMID: 7607663, 9385374, 10607834, 12807981, 17311297, 26962827). Invitae Evidence Modeling of clinical and family history, age, sex, and reported ancestry of multiple individuals with this NF1 variant has been performed. This variant is expected to be pathogenic with a positive predictive value of at least 99%. This is a validated machine learning model that incorporates the clinical features of 1,785,918 individuals referred to our laboratory for NF1 testing. ClinVar contains an entry for this variant (Variation ID: 185082). Studies have shown that this premature translational stop signal results in skipping of exon 45, but is expected to preserve the integrity of the reading-frame (PMID: 9385374, 10607834, 16870183, 22925204; internal data). For these reasons, this variant has been classified as Pathogenic.

3billion
Classification: Pathogenic for Neurofibromatosis, type 1. Last evaluated: 2025-11-09. Review status: criteria provided, single submitter. Criteria: ACMG Guidelines, 2015. Collection method: clinical testing. Allele origin: germline. Affected: yes.
Comment: The variant is observed at an extremely low frequency in the gnomAD v4.1.0 dataset (total allele frequency: <0.001%). Predicted Consequence/Location: Stop-gained (nonsense): predicted to result in a loss or disruption of normal protein function through nonsense-mediated decay (NMD) or protein truncation. Multiple pathogenic variants are reported downstream of the variant. The variant has been reported at least twice as pathogenic with clinical assertions and evidence for the classification (ClinVar ID: VCV000185082 /PMID: 7607663 /3billion dataset). Therefore, this variant is classified as Pathogenic according to the recommendation of ACMG/AMP guideline.

NHS Central & South Genomic Laboratory Hub
Classification: Pathogenic for Neurofibromatosis type 1. Last evaluated: 2025-07-01. Review status: criteria provided, single submitter. Criteria: ACMG Guidelines, 2015. Collection method: clinical testing. Allele origin: germline. Affected: yes.

Mayo Clinic Laboratories, Mayo Clinic
Classification: Pathogenic. Last evaluated: 2025-05-02. Review status: criteria provided, single submitter. Criteria: ACMG Guidelines, 2015. Collection method: clinical testing. Allele origin: germline. Observed: 2 variant alleles.
Comment: PP1_strong, PM2_moderate, PS2, PS4_moderate, PVS1_moderate

Laboratory of Genetics, Children's Clinical University Hospital Latvia
Classification: Pathogenic. Last evaluated: 2025-02-16. Review status: criteria provided, single submitter. Criteria: ACMG Guidelines, 2015. Collection method: clinical testing. Allele origin: germline. Affected: yes.

Athena Diagnostics
Classification: Pathogenic. Last evaluated: 2024-11-18. Review status: criteria provided, single submitter. Criteria: Athena Diagnostics Criteria. Collection method: clinical testing. Allele origin: unknown.
Comment: The frequency of this variant in the general population is consistent with pathogenicity. This variant creates a premature stop codon and is expected to result in the loss of a functional protein. However, RNA studies suggest this variant leads to an in-frame skipping of exon 45 rather than loss of protein expression through nonsense-mediated decay (PMID: 22925204, 9463322, 9385374). This variant has been identified in multiple unrelated individuals with clinical features associated with neurofibromatosis type 1 (NF1), including at least one confirmed de novo.

Blueprint Genetics
Classification: Pathogenic for NF1-related disorders. Last evaluated: 2024-08-22. Review status: criteria provided, single submitter. Criteria: ACMG Guidelines, 2015. Collection method: clinical testing. Allele origin: germline. Affected: yes. Observed: 5 variant alleles.

Greenwood Genetic Center Diagnostic Laboratories, Greenwood Genetic Center
Classification: Pathogenic for Neurofibromatosis, type 1. Last evaluated: 2024-03-15. Review status: criteria provided, single submitter. Criteria: ACMG Guidelines, 2015. Collection method: clinical testing. Allele origin: germline. Affected: yes.
Comment: PVS1, PS4, PS1, PM2, PM6

Baylor Genetics
Classification: Pathogenic for Juvenile myelomonocytic leukemia. Last evaluated: 2023-12-18. Review status: criteria provided, single submitter. Criteria: ACMG Guidelines, 2015. Collection method: clinical testing. Allele origin: unknown.

PreventionGenetics, part of Exact Sciences
Classification: Pathogenic for NF1-related condition. Last evaluated: 2023-07-27. Review status: criteria provided, single submitter. Criteria: ACMG Guidelines, 2015. Collection method: clinical testing. Allele origin: germline.
Comment: The NF1 c.6855C>A variant is predicted to result in premature protein termination (p.Tyr2285*). This variant has also been referred to as c.6792C>A (p.Tyr2264*) in an alternate transcript (NM_000267.3). This variant has been identified in several unrelated individuals with neurofibromatosis type I and was found to be de novo in multiple cases (see for example, Robinson et al. 1995. PubMed ID: 7607663; Wimmer et al. 2007. PubMed ID: 17311297; Sabbagh et al. 2013. PubMed ID: 23913538; Zhu et al. 2016. PubMed ID: 26962827). This variant is interpreted as pathogenic in ClinVar. Nonsense variants in NF1 are expected to be pathogenic. This variant is interpreted as pathogenic.